The following is an entry in ClinVar:

NM_001267550.2(TTN):c.98134G>T (p.Glu32712Ter)

Genes: TTN-AS1 (TTN antisense RNA 1; plus strand), TTN (titin; minus strand). Cytogenetic location: 2q31.2.
Variant type: single nucleotide variant.
Coding change: c.98134G>T on transcript NM_001267550.2 (MANE Select); coding-DNA position 98134, G replaced by T.
Protein change: p.Glu32712Ter; replaces glutamic acid 32712 with a stop codon.
Molecular consequence: nonsense.
Genome position (GRCh38, 1-based): chr2:178,539,931, C>A on the plus strand (G>T on the coding strand, the complement: TTN is on the minus strand). VCF-style: chr2-178539931-C-A. GRCh37 (hg19) VCF-style: chr2-179404658-C-A.
Other names: c.93211G>T, p.Glu31071Ter (NM_001256850.1); c.70939G>T, p.Glu23647Ter (NM_003319.4); c.71314G>T, p.Glu23772Ter (NM_133432.3); c.90430G>T, p.Glu30144Ter (NM_133378.4); c.71515G>T, p.Glu23839Ter (NM_133437.4); short protein forms E30144*, E32712*, E23772*, E31071*, E23647*, E23839*.
Identifiers: ClinVar variation 179162 (VCV000179162.16), dbSNP rs727504679, ClinGen allele CA273595.

ClinVar aggregate classification (germline): Likely pathogenic. Review status: criteria provided, multiple submitters, no conflicts (2 of 4 stars). 3 submissions from 3 submitters: Likely pathogenic (3). Last evaluated 2025-10-17.

Conditions:
Dilated cardiomyopathy 1G (CMD1G). Identifiers: Orphanet 154, MedGen C1858763, MONDO:0011400, OMIM 604145.
Autosomal recessive limb-girdle muscular dystrophy type 2J (LGMDR10). Also called: Limb-girdle muscular dystrophy, type 2J; MUSCULAR DYSTROPHY, LIMB-GIRDLE, AUTOSOMAL RECESSIVE 10. Identifiers: Orphanet 140922, MedGen C1837342, MONDO:0012127, OMIM 608807.
Cardiovascular phenotype. Identifiers: MedGen CN230736.
Primary dilated cardiomyopathy (DCM). Also called: Dilated Cardiomyopathy. Identifiers: Orphanet 217604, MedGen C0007193, MeSH D002311, MONDO:0005021, HP:0001644. Inheritance: Various modes of inheritance.

Submissions (3):

Labcorp Genetics (formerly Invitae), Labcorp
Classification: Likely pathogenic for Dilated cardiomyopathy 1G; Autosomal recessive limb-girdle muscular dystrophy type 2J. Last evaluated: 2025-10-17. Review status: criteria provided, single submitter. Criteria: Invitae Variant Classification Sherloc (09022015). Collection method: clinical testing. Allele origin: germline.
Comment: This sequence change creates a premature translational stop signal (p.Glu32712*) in the TTN gene. While this is not anticipated to result in nonsense mediated decay, it is expected to create a truncated TTN protein. This variant is not present in population databases (gnomAD no frequency). This premature translational stop signal has been observed in individual(s) with TTN-related conditions (PMID: 33190517). ClinVar contains an entry for this variant (Variation ID: 179162). This variant is located in the A band of TTN (PMID: 25589632). Truncating variants in this region are significantly overrepresented in patients affected with dilated cardiomyopathy (PMID: 25589632). Truncating variants in this region have also been reported in individuals affected with autosomal recessive centronuclear myopathy (PMID: 23975875). In summary, the currently available evidence indicates that the variant is pathogenic, but additional data are needed to prove that conclusively. Therefore, this variant has been classified as Likely Pathogenic.

Laboratory for Molecular Medicine, Mass General Brigham Personalized Medicine
Classification: Likely pathogenic for Primary dilated cardiomyopathy. Last evaluated: 2018-01-19. Review status: criteria provided, single submitter. Criteria: LMM Criteria. Collection method: clinical testing. Allele origin: germline. Inheritance: Autosomal dominant inheritance. Observed: 3 variant alleles.
Comment: The p.Glu30144X variant in TTN has not been previously reported in individuals w ith cardiomyopathy and was absent from large population studies. This nonsense v ariant leads to a premature termination codon at position 30144 which is predict ed to lead to a truncated or absent protein. Nonsense and other truncating varia nts in TTN are strongly associated with DCM if they impact the exons encoding fo r the A-band (Herman 2012, Pugh 2014) and/or are located in an exon that is high ly expressed in the heart (Roberts 2015). The p.Glu30144X variant is located in A-band in the highly expressed exon 301. In summary, although additional studies are required to fully establish its clinical significance, the p.Glu30144X vari ant is likely pathogenic. ACMG/AMP Criteria applied: PVS1; PM2.

Ambry Genetics
Classification: Likely pathogenic for Cardiovascular phenotype. Last evaluated: 2017-03-10. Review status: criteria provided, single submitter. Criteria: Ambry Variant Classification Scheme 2023. Collection method: clinical testing. Allele origin: germline.
Comment: The p.E23647* variant (also known as c.70939G>T), located in coding exon 179 of the TTN gene, results from a G to T substitution at nucleotide position 70939. This changes the amino acid from a glutamic acid to a stop codon within coding exon 179. This exon is located in the A-band region of the N2-B isoform of the titin protein and is constitutively expressed in TTN transcripts (percent spliced in or PSI 100%). While truncating variants in TTN are present in 1-3% of the general population, truncating variants in the A-band are the most common cause of dilated cardiomyopathy (DCM) (Herman DS et al. N. Engl. J. Med. 2012 Feb;366:619-28; Roberts AM et al. Sci Transl Med. 2015 Jan;7:270ra6). TTN truncating variants encoded in constitutive exons (PSI >90%) have been found to be significantly associated with DCM regardless of their position in titin (Schafer S et al. Nat. Genet. 2017 Jan;49:46-53). This alteration is expected to result in loss of function by premature protein truncation or nonsense-mediated mRNA decay. As such, this alteration is classified as likely pathogenic.

Literature cited by the submitters: PubMed 33190517 (cited by Labcorp Genetics (formerly Invitae), Labcorp); PubMed 25589632 (cited by Labcorp Genetics (formerly Invitae), Labcorp); PubMed 23975875 (cited by Labcorp Genetics (formerly Invitae), Labcorp).